The following is an entry in ClinVar:

ClinVar aggregate classification (germline): Uncertain significance (1 of 4 stars; one submission).

Conditions:
Arrhythmogenic right ventricular dysplasia 8 (ARVD8). Also called: Arrhythmogenic Right Ventricular Dysplasia/Cardiomyopathy 8; ARRHYTHMOGENIC RIGHT VENTRICULAR DYSPLASIA, FAMILIAL, 8; ARRHYTHMOGENIC RIGHT VENTRICULAR CARDIOMYOPATHY 8. Identifiers: MedGen C1843896, MONDO:0011831, OMIM 607450.
Arrhythmogenic cardiomyopathy with wooly hair and keratoderma. Also called: PALMOPLANTAR KERATODERMA WITH LEFT VENTRICULAR CARDIOMYOPATHY AND WOOLLY HAIR; Carvajal syndrome; Dilated cardiomyopathy with woolly hair and keratoderma; Arrhythmogenic cardiomyopathy with woolly hair and keratoderma. Identifiers: Orphanet 65282, MedGen C1854063, MONDO:0011581, OMIM 605676.

Submission:

Labcorp Genetics (formerly Invitae), Labcorp
Classification: Uncertain significance for Arrhythmogenic cardiomyopathy with wooly hair and keratoderma; Arrhythmogenic right ventricular dysplasia 8. Last evaluated: 2024-04-17. Review status: criteria provided, single submitter. Criteria: Invitae Variant Classification Sherloc (09022015). Collection method: clinical testing. Allele origin: germline.
Comment: This sequence change replaces lysine, which is basic and polar, with glutamic acid, which is acidic and polar, at codon 301 of the DSP protein (p.Lys301Glu). This variant is not present in population databases (gnomAD no frequency). This variant has not been reported in the literature in individuals affected with DSP-related conditions. An algorithm developed to predict the effect of missense changes on protein structure and function (PolyPhen-2) suggests that this variant is likely to be tolerated. In summary, the available evidence is currently insufficient to determine the role of this variant in disease. Therefore, it has been classified as a Variant of Uncertain Significance.

NM_004415.4(DSP):c.901A>G (p.Lys301Glu)

Gene: DSP (desmoplakin; plus strand). Cytogenetic location: 6p24.3.
Variant type: single nucleotide variant.
Coding change: c.901A>G on transcript NM_004415.4 (MANE Select); coding-DNA position 901, A replaced by G.
Protein change: p.Lys301Glu; replaces lysine 301 with glutamic acid.
Molecular consequence: missense variant.
Genome position (GRCh38, 1-based): chr6:7,565,482, A>G. VCF-style: chr6-7565482-A-G. GRCh37 (hg19) VCF-style: chr6-7565715-A-G.
Other names: c.901A>G, p.Lys301Glu (NM_001008844.3, NM_001319034.2, NM_001406591.1); short protein forms K301E.
Identifiers: ClinVar variation 3750761 (VCV003750761.2).
Genomic context (GRCh38, chr6:7,565,482, plus strand): 5'-AGGGAGATCATGTGGATCAATGACTGCGAGGAGGAGGAGCTGCTGTACGACTGGAGCGAC[A>G]AGAACACCAACATCGCTCAGAAACAGGAGGCCTTCTCCGTAAGTTCACCCCACGCGGCTG-3'
Protein context (NP_004406.2, residues 291-311): EEELLYDWSD[Lys301Glu]NTNIAQKQEA